The following is an entry in ClinVar:

NM_004006.3(DMD):c.884G>T (p.Arg295Leu)

Gene: DMD (dystrophin; minus strand). Cytogenetic location: Xp21.1.
Variant type: single nucleotide variant.
Coding change: c.884G>T on transcript NM_004006.3 (MANE Select); coding-DNA position 884, G replaced by T.
Protein change: p.Arg295Leu; replaces arginine 295 with leucine.
Molecular consequence: missense variant.
Genome position (GRCh38, 1-based): chrX:32,697,946, C>A on the plus strand (G>T on the coding strand, the complement: DMD is on the minus strand). VCF-style: chrX-32697946-C-A. GRCh37 (hg19) VCF-style: chrX-32716063-C-A.
Other names: c.860G>T, p.Arg287Leu (NM_000109.4); c.872G>T, p.Arg291Leu (NM_004009.3); c.515G>T, p.Arg172Leu (NM_004010.3); short protein forms R287L, R172L, R291L, R295L.
Identifiers: ClinVar variation 1764876 (VCV001764876.5), dbSNP rs377587957, ClinGen allele CA328553676.

ClinVar aggregate classification (germline): Uncertain significance. Review status: criteria provided, multiple submitters, no conflicts (2 of 4 stars). 2 submissions from 2 submitters: Uncertain significance (2). Last evaluated 2024-01-09.

Conditions:
Duchenne muscular dystrophy (DMD). Also called: MUSCULAR DYSTROPHY, PSEUDOHYPERTROPHIC PROGRESSIVE, DUCHENNE TYPE; Duchenne Muscular Dystrophy (DMD). Identifiers: Orphanet 98896, MedGen C0013264, MONDO:0010679, OMIM 310200.
Cardiovascular phenotype. Identifiers: MedGen CN230736.

gnomAD v4.1: 10 of 1,203,112 alleles (0.00083%); highest among the groups gnomAD compares: Middle Eastern, 0.023%; no homozygotes.

Submissions (2):

Labcorp Genetics (formerly Invitae), Labcorp
Classification: Uncertain significance for Duchenne muscular dystrophy. Last evaluated: 2024-01-09. Review status: criteria provided, single submitter. Criteria: Invitae Variant Classification Sherloc (09022015). Collection method: clinical testing. Allele origin: germline.
Comment: This sequence change replaces arginine, which is basic and polar, with leucine, which is neutral and non-polar, at codon 295 of the DMD protein (p.Arg295Leu). The frequency data for this variant in the population databases is considered unreliable, as metrics indicate poor data quality at this position in the gnomAD database. This variant has not been reported in the literature in individuals affected with DMD-related conditions. ClinVar contains an entry for this variant (Variation ID: 1764876). Advanced modeling of protein sequence and biophysical properties (such as structural, functional, and spatial information, amino acid conservation, physicochemical variation, residue mobility, and thermodynamic stability) performed at Invitae indicates that this missense variant is not expected to disrupt DMD protein function with a negative predictive value of 95%. Algorithms developed to predict the effect of sequence changes on RNA splicing suggest that this variant may disrupt the consensus splice site. In summary, the available evidence is currently insufficient to determine the role of this variant in disease. Therefore, it has been classified as a Variant of Uncertain Significance.

Ambry Genetics
Classification: Uncertain significance for Cardiovascular phenotype. Last evaluated: 2019-11-20. Review status: criteria provided, single submitter. Criteria: Ambry Variant Classification Scheme 2023. Collection method: clinical testing. Allele origin: germline.
Comment: The p.R295L variant (also known as c.884G>T), located in coding exon 9 of the DMD gene, results from a G to T substitution at nucleotide position 884. The arginine at codon 295 is replaced by leucine, an amino acid with dissimilar properties. This amino acid position is highly conserved in available vertebrate species. In addition, this alteration is predicted to be deleterious by in silico analysis. Since supporting evidence is limited at this time, the clinical significance of this alteration remains unclear.